The following is an entry in ClinVar:

ClinVar aggregate classification (germline): Uncertain significance. Review status: criteria provided, multiple submitters, no conflicts (2 of 4 stars). 4 submissions from 4 submitters: Uncertain significance (4). Last evaluated 2025-01-01.

Conditions:
Inborn genetic diseases. Identifiers: MedGen C0950123, MeSH D030342.

Allele frequency attached by ClinVar (database versions not stated): gnomAD 0.00002 and 0.00003; gnomAD exomes 0.00002; TOPMed 0.00002; ExAC 0.00006.
gnomAD v4.1: 34 of 1,606,432 alleles (0.0021%); highest among the groups gnomAD compares: South Asian, 0.0045%; no homozygotes.

Submissions (4):

Labcorp Genetics (formerly Invitae), Labcorp
Classification: Uncertain significance. Last evaluated: 2025-01-01. Review status: criteria provided, single submitter. Criteria: Invitae Variant Classification Sherloc (09022015). Collection method: clinical testing. Allele origin: germline.
Comment: This sequence change replaces arginine, which is basic and polar, with histidine, which is basic and polar, at codon 465 of the MYH14 protein (p.Arg465His). The frequency data for this variant in the population databases is considered unreliable, as metrics indicate poor data quality at this position in the gnomAD database. This variant has not been reported in the literature in individuals affected with MYH14-related conditions. ClinVar contains an entry for this variant (Variation ID: 993775). Invitae Evidence Modeling of protein sequence and biophysical properties (such as structural, functional, and spatial information, amino acid conservation, physicochemical variation, residue mobility, and thermodynamic stability) indicates that this missense variant is not expected to disrupt MYH14 protein function with a negative predictive value of 80%. In summary, the available evidence is currently insufficient to determine the role of this variant in disease. Therefore, it has been classified as a Variant of Uncertain Significance.

GeneDx
Classification: Uncertain significance. Last evaluated: 2024-01-03. Review status: criteria provided, single submitter. Criteria: GeneDx Variant Classification Process June 2021. Collection method: clinical testing. Allele origin: germline. Affected: yes.
Comment: In silico analysis supports that this missense variant has a deleterious effect on protein structure/function; Has not been previously published as pathogenic or benign to our knowledge

Ambry Genetics
Classification: Uncertain significance for Inborn genetic diseases. Last evaluated: 2022-06-30. Review status: criteria provided, single submitter. Criteria: Ambry Variant Classification Scheme 2023. Collection method: clinical testing. Allele origin: germline.

ARUP Laboratories, Molecular Genetics and Genomics, ARUP Laboratories
Classification: Uncertain significance. Last evaluated: 2019-09-25. Review status: criteria provided, single submitter. Criteria: ARUP Molecular Germline Variant Investigation Process. Collection method: clinical testing. Allele origin: germline.
Comment: The MYH14 c.1394G>A; p.Arg465His variant (rs199812021), to our knowledge, is not reported in the medical literature or gene-specific databases. This variant is found on only six chromosomes (6/262738 alleles) in the Genome Aggregation Database. The arginine at codon 465 is highly conserved, and computational analyses (SIFT, PolyPhen-2) predict that this variant is deleterious. However, given the lack of clinical and functional data, the significance of the p.Arg465His variant is uncertain at this time.

NM_001145809.2(MYH14):c.1418G>A (p.Arg473His)

Gene: MYH14 (myosin heavy chain 14; plus strand). Cytogenetic location: 19q13.33.
Variant type: single nucleotide variant.
Coding change: c.1418G>A on transcript NM_001145809.2 (MANE Select); coding-DNA position 1418, G replaced by A.
Protein change: p.Arg473His; replaces arginine 473 with histidine.
Molecular consequence: missense variant.
Genome position (GRCh38, 1-based): chr19:50,249,075, G>A. VCF-style: chr19-50249075-G-A. GRCh37 (hg19) VCF-style: chr19-50752332-G-A.
Other names: c.1418G>A, p.Arg473His (NM_001077186.2); c.1394G>A, p.Arg465His (NM_024729.4); c.1394G>A (NM_024729.3); short protein forms R465H, R473H.
Identifiers: ClinVar variation 993775 (VCV000993775.53), dbSNP rs199812021, ClinGen allele CA9592626.